The following is an entry in ClinVar:

NM_004006.3(DMD):c.8217+17888G>A

Gene: DMD (dystrophin; minus strand). Cytogenetic location: Xp21.1.
Variant type: single nucleotide variant.
Coding change: c.8217+17888G>A on transcript NM_004006.3 (MANE Select); 17888 bases into the intron after coding-DNA position 8217, G replaced by A.
Molecular consequence: intron variant.
Genome position (GRCh38, 1-based): chrX:31,609,785, C>T on the plus strand (G>A on the coding strand, the complement: DMD is on the minus strand). VCF-style: chrX-31609785-C-T. GRCh37 (hg19) VCF-style: chrX-31627902-C-T.
Other names: c.8193+17888G>A (NM_000109.4); c.4194+17888G>A (NM_004011.4); c.4185+17888G>A (NM_004012.4); c.837+17888G>A (NM_004023.3, NM_004020.4, NM_004022.3 and 2 more transcripts); c.8205+17888G>A (NM_004009.3); c.7848+17888G>A (NM_004010.3).
Identifiers: ClinVar variation 679120 (VCV000679120.1), dbSNP rs5972417, ClinGen allele CA328457039.

ClinVar aggregate classification (germline): Likely benign (1 of 4 stars; one submission).

Allele frequency attached by ClinVar (database versions not stated): gnomAD 0.01678 and 0.01691; TOPMed 0.01984; 1000 Genomes Project 0.02119; 1000 Genomes Project 30x 0.02123.
gnomAD v4.1: 1,892 of 111,499 alleles (1.7%); highest among the groups gnomAD compares: East Asian, 3.7%; 19 homozygotes.

Submission:

GeneDx
Classification: Likely benign. Last evaluated: 2018-06-16. Review status: criteria provided, single submitter. Criteria: GeneDx Variant Classification (06012015). Collection method: clinical testing. Allele origin: germline. Affected: yes.
Comment: This variant is considered likely benign or benign based on one or more of the following criteria: it is a conservative change, it occurs at a poorly conserved position in the protein, it is predicted to be benign by multiple in silico algorithms, and/or has population frequency not consistent with disease.